The following is an entry in ClinVar:

NM_000903.3(NQO1):c.244A>G (p.Ser82Gly)

Gene: NQO1 (NAD(P)H quinone dehydrogenase 1; minus strand). Cytogenetic location: 16q22.1.
Variant type: single nucleotide variant.
Coding change: c.244A>G on transcript NM_000903.3 (MANE Select); coding-DNA position 244, A replaced by G.
Protein change: p.Ser82Gly; replaces serine 82 with glycine.
Molecular consequence: missense variant.
Genome position (GRCh38, 1-based): chr16:69,718,182, T>C on the plus strand (A>G on the coding strand, the complement: NQO1 is on the minus strand). VCF-style: chr16-69718182-T-C. GRCh37 (hg19) VCF-style: chr16-69752085-T-C.
Other names: c.244A>G, p.Ser82Gly (NM_001025433.2, NM_001025434.2, NM_001286137.2); short protein forms S82G.
Identifiers: ClinVar variation 1791449 (VCV001791449.3), dbSNP rs369179544, ClinGen allele CA8136275.

ClinVar aggregate classification (germline): Uncertain significance (1 of 4 stars; one submission).

Allele frequency attached by ClinVar (database versions not stated): ESP Exome Variant Server 0.00008.

Submission:

Ambry Genetics
Classification: Uncertain significance. Last evaluated: 2024-04-24. Review status: criteria provided, single submitter. Criteria: Ambry Variant Classification Scheme 2023. Collection method: clinical testing. Allele origin: germline.
Comment: The p.S82G variant (also known as c.244A>G), located in coding exon 3 of the NQO1 gene, results from an A to G substitution at nucleotide position 244. The serine at codon 82 is replaced by glycine, an amino acid with similar properties. This amino acid position is conserved. In addition, this alteration is predicted to be tolerated by in silico analysis. Since supporting evidence is limited at this time, the clinical significance of this alteration remains unclear.